The following is an entry in ClinVar:

ClinVar aggregate classification (germline): Pathogenic (1 of 4 stars; one submission).

Submission:

Labcorp Genetics (formerly Invitae), Labcorp
Classification: Pathogenic. Last evaluated: 2022-07-11. Review status: criteria provided, single submitter. Criteria: Invitae Variant Classification Sherloc (09022015). Collection method: clinical testing. Allele origin: germline.
Comment: This variant is a gross deletion of the genomic region encompassing exon(s) 1 of the CYP4V2 gene, which includes the initiator codon. This deletion extends beyond the assayed region for this gene and therefore may encompass additional genes. It is expected to result in an absent or disrupted protein product. Loss-of-function variants in CYP4V2 are known to be pathogenic (PMID: 15042513, 25118264). This variant has not been reported in the literature in individuals affected with CYP4V2-related conditions. For these reasons, this variant has been classified as Pathogenic.

Literature cited by the submitters: PubMed 15042513; PubMed 25118264.

NC_000004.12:g.(?_186166968)_(186192037_?)del

Genes: CYP4V2 (cytochrome P450 family 4 subfamily V member 2; plus strand), FAM149A (family with sequence similarity 149 member A; plus strand). Cytogenetic location: 4q35.1-35.2.
Variant type: Deletion.
Identifiers: ClinVar variation 832006 (VCV000832006.2).